The following is an entry in ClinVar:

ClinVar aggregate classification (germline): Benign/Likely benign. Review status: criteria provided, multiple submitters, no conflicts (2 of 4 stars). 6 submissions from 6 submitters: Benign (3); Likely benign (2). 1 of the submissions does not count toward it. Last evaluated 2026-02-03.

Conditions:
Epidermolysis bullosa simplex 5C, with pyloric atresia (EBS5C). Also called: PLEC-Related Epidermolysis Bullosa with Pyloric Atresia; Epidermolysis bullosa simplex with pyloric atresia; PLEC1-Related Epidermolysis Bullosa with Pyloric Atresia. Identifiers: Orphanet 158684, MedGen C2677349, MONDO:0012807, OMIM 612138.
Autosomal recessive limb-girdle muscular dystrophy type 2Q (LGMDR17). Also called: MUSCULAR DYSTROPHY, LIMB-GIRDLE, AUTOSOMAL RECESSIVE 17. Identifiers: Orphanet 254361, MedGen C3150989, MONDO:0013390, OMIM 613723.
Epidermolysis bullosa simplex with nail dystrophy (EBS5D). Identifiers: MedGen C4225309, MONDO:0014661, OMIM 616487.
Epidermolysis bullosa simplex 5B, with muscular dystrophy (EBS5B). Also called: Epidermolysis bullosa simplex with muscular dystrophy; EPIDERMOLYSIS BULLOSA SIMPLEX AND LIMB-GIRDLE MUSCULAR DYSTROPHY. Identifiers: Orphanet 257, MedGen C2931072, MONDO:0009181, OMIM 226670.
Epidermolysis bullosa simplex, Ogna type (EBS5A). Also called: Pidermolysis bullosa simplex 5A, Ogna type; EPIDERMOLYSIS BULLOSA SIMPLEX 5A, OGNA TYPE. Identifiers: Orphanet 79401, MedGen C0432317, MONDO:0007555, OMIM 131950.

Allele frequency attached by ClinVar (database versions not stated): gnomAD exomes 0.00650 and 0.01603; ExAC 0.01945; gnomAD 0.05796 and 0.06211; ESP Exome Variant Server 0.06504; 1000 Genomes Project 0.06510; TOPMed 0.06633; 1000 Genomes Project 30x 0.07089.
gnomAD v4.1: 18,765 of 1,612,170 alleles (1.2%); highest among the groups gnomAD compares: African/African-American, 20%; 1,548 homozygotes.

Submissions (6):

Labcorp Genetics (formerly Invitae), Labcorp
Classification: Benign for Autosomal recessive limb-girdle muscular dystrophy type 2Q; Epidermolysis bullosa simplex, Ogna type; Epidermolysis bullosa simplex with nail dystrophy; Epidermolysis bullosa simplex 5C, with pyloric atresia; Epidermolysis bullosa simplex 5B, with muscular dystrophy. Last evaluated: 2026-02-03. Review status: criteria provided, single submitter. Criteria: Invitae Variant Classification Sherloc (09022015). Collection method: clinical testing. Allele origin: germline.

Mayo Clinic Laboratories, Mayo Clinic
Classification: Benign. Last evaluated: 2018-02-19. Review status: criteria provided, single submitter. Criteria: ACMG Guidelines, 2015. Collection method: clinical testing. Allele origin: germline. Observed: 64 variant alleles.

GeneDx
Classification: Benign. Last evaluated: 2015-03-03. Review status: criteria provided, single submitter. Criteria: GeneDx Variant Classification Process June 2021. Collection method: clinical testing. Allele origin: germline. Affected: yes.

Breakthrough Genomics
Classification: Likely benign. Review status: criteria provided, single submitter. Criteria: ACMG Guidelines, 2015. Collection method: not provided. Allele origin: germline. Inheritance: Autosomal recessive inheritance. Affected: yes.

PreventionGenetics, part of Exact Sciences
Classification: Likely benign. Review status: criteria provided, single submitter. Criteria: ACMG Guidelines, 2015. Collection method: clinical testing. Allele origin: germline.

Genetic Services Laboratory, University of Chicago
Classification: Likely benign for AllHighlyPenetrant. Review status: no assertion criteria provided. Collection method: clinical testing. Allele origin: germline. Inheritance: Autosomal recessive inheritance. Not counted in ClinVar's aggregate classification.
Comment: Likely benign based on allele frequency in 1000 Genomes Project or ESP global frequency and its presence in a patient with a rare or unrelated disease phenotype. NOT Sanger confirmed.

NM_201384.3(PLEC):c.2658G>A (p.Leu886=)

Gene: PLEC (plectin; minus strand). Cytogenetic location: 8q24.3.
Variant type: single nucleotide variant.
Coding change: c.2658G>A on transcript NM_201384.3 (MANE Select); coding-DNA position 2658, G replaced by A.
Protein change: p.Leu886=; no amino-acid change (leucine 886 retained).
Molecular consequence: synonymous variant.
Genome position (GRCh38, 1-based): chr8:143,930,017, C>T on the plus strand (G>A on the coding strand, the complement: PLEC is on the minus strand). VCF-style: chr8-143930017-C-T. GRCh37 (hg19) VCF-style: chr8-145004185-C-T.
Other names: p.Leu872=; c.2739G>A, p.Leu913= (NM_000445.5); c.2616G>A, p.Leu872= (NM_201378.4); c.2592G>A, p.Leu864= (NM_201379.3); c.3069G>A, p.Leu1023= (NM_201380.4); c.2562G>A, p.Leu854= (NM_201381.3); c.2658G>A, p.Leu886= (NM_201382.4); c.2670G>A, p.Leu890= (NM_201383.3).
Identifiers: ClinVar variation 129941 (VCV000129941.18), dbSNP rs78012434, ClinGen allele CA154492.